The following is an entry in ClinVar:

NM_001374736.1(DST):c.21207+1G>T

Gene: DST (dystonin; minus strand). Cytogenetic location: 6p12.1.
Variant type: single nucleotide variant.
Coding change: c.21207+1G>T on transcript NM_001374736.1 (MANE Select); the canonical splice donor site of the intron after coding-DNA position 21207, G replaced by T.
Molecular consequence: splice donor variant.
Genome position (GRCh38, 1-based): chr6:56,485,311, C>A on the plus strand (G>T on the coding strand, the complement: DST is on the minus strand). VCF-style: chr6-56485311-C-A. GRCh37 (hg19) VCF-style: chr6-56350109-C-A.
Other names: c.14850+1G>T (NM_001144769.5); c.21207+1G>T (NM_001374722.1); c.21234+1G>T (NM_001374734.1); c.14436+1G>T (NM_001144770.2); c.13989+1G>T (NM_001374730.1); c.14316+1G>T (NM_001386100.1, NM_183380.4); c.20247+1G>T (NM_001374729.1); c.13338+1G>T (NM_015548.5).
Identifiers: ClinVar variation 1773645 (VCV001773645.2), dbSNP rs2533772935, ClinGen allele CA364512440.

ClinVar aggregate classification (germline): Uncertain significance (1 of 4 stars; one submission).

Conditions:
Inborn genetic diseases. Identifiers: MedGen C0950123, MeSH D030342.

Submission:

Ambry Genetics
Classification: Uncertain significance for Inborn genetic diseases. Last evaluated: 2022-10-06. Review status: criteria provided, single submitter. Criteria: Ambry Variant Classification Scheme 2023. Collection method: clinical testing. Allele origin: germline.
Comment: The c.14850+1G>T intronic variant results from a G to T substitution one nucleotide after coding exon 82 of the DST gene. Alterations that disrupt the canonical splice site are expected to result in aberrant splicing. In silico splice site analysis predicts that this alteration will weaken the native splice donor site and may result in the creation or strengthening of a novel splice donor site. The resulting transcript is predicted to be in-frame and is not expected to trigger nonsense-mediated mRNAdecay; however, direct evidence is unavailable. The exact functional effect of the altered amino acid sequence is unknown. This nucleotide position is highly conserved in available vertebrate species. Since supporting evidence is limited at this time, the clinical significance of this alteration remains unclear.